The following is an entry in ClinVar:

NM_012431.3(SEMA3E):c.1637G>A (p.Arg546Gln)

Gene: SEMA3E (semaphorin 3E; minus strand). Cytogenetic location: 7q21.11.
Variant type: single nucleotide variant.
Coding change: c.1637G>A on transcript NM_012431.3 (MANE Select); coding-DNA position 1637, G replaced by A.
Protein change: p.Arg546Gln; replaces arginine 546 with glutamine.
Molecular consequence: missense variant.
Genome position (GRCh38, 1-based): chr7:83,392,585, C>T on the plus strand (G>A on the coding strand, the complement: SEMA3E is on the minus strand). VCF-style: chr7-83392585-C-T. GRCh37 (hg19) VCF-style: chr7-83021901-C-T.
Other names: c.1457G>A, p.Arg486Gln (NM_001178129.2); short protein forms R546Q, R486Q.
Identifiers: ClinVar variation 529119 (VCV000529119.10), dbSNP rs769248913, ClinGen allele CA367923082.

ClinVar aggregate classification (germline): Uncertain significance. Review status: criteria provided, multiple submitters, no conflicts (2 of 4 stars). 2 submissions from 2 submitters: Uncertain significance (2). Last evaluated 2025-03-16.

Conditions:
CHARGE syndrome (CHARGE). Also called: Hittner Hirsch Kreh syndrome; Coloboma, heart anomaly, choanal atresia, retardation, genital and ear anomalies; CHARGE association; Hall-Hittner syndrome; CHARGE ASSOCIATION--COLOBOMA, HEART ANOMALY, CHOANAL ATRESIA, RETARDATION, GENITAL AND EAR ANOMALIES. Identifiers: Orphanet 138, MedGen C0265354, MONDO:0008965.

Allele frequency attached by ClinVar (database versions not stated): gnomAD exomes 0.00001; TOPMed 0.00002; gnomAD 0.00004.
gnomAD v4.1: 13 of 1,613,368 alleles (0.00081%); highest among the groups gnomAD compares: East Asian, 0.0022%; no homozygotes.

Submissions (2):

Labcorp Genetics (formerly Invitae), Labcorp
Classification: Uncertain significance for CHARGE syndrome. Last evaluated: 2025-03-16. Review status: criteria provided, single submitter. Criteria: Invitae Variant Classification Sherloc (09022015). Collection method: clinical testing. Allele origin: germline.
Comment: This sequence change replaces arginine, which is basic and polar, with glutamine, which is neutral and polar, at codon 546 of the SEMA3E protein (p.Arg546Gln). This variant is not present in population databases (gnomAD no frequency). This variant has not been reported in the literature in individuals affected with SEMA3E-related conditions. ClinVar contains an entry for this variant (Variation ID: 529119). Invitae Evidence Modeling of protein sequence and biophysical properties (such as structural, functional, and spatial information, amino acid conservation, physicochemical variation, residue mobility, and thermodynamic stability) indicates that this missense variant is not expected to disrupt SEMA3E protein function with a negative predictive value of 80%. In summary, the available evidence is currently insufficient to determine the role of this variant in disease. Therefore, it has been classified as a Variant of Uncertain Significance.

Baylor Genetics
Classification: Uncertain significance for CHD7-related CHARGE syndrome. Last evaluated: 2019-12-04. Review status: criteria provided, single submitter. Criteria: ACMG Guidelines, 2015. Collection method: clinical testing. Allele origin: unknown. Affected: yes.
Comment: This variant was determined to be of uncertain significance according to ACMG Guidelines, 2015 [PMID:25741868].